The following is an entry in ClinVar:

ClinVar aggregate classification (germline): Likely pathogenic. Review status: criteria provided, multiple submitters, no conflicts (2 of 4 stars). 2 submissions from 2 submitters: Likely pathogenic (2). Last evaluated 2026-02-02.

Conditions:
Kartagener syndrome (CILD1). Also called: CILIARY DYSKINESIA, PRIMARY, 1; CILIARY DYSKINESIA, PRIMARY, 1, WITH OR WITHOUT SITUS INVERSUS; IMMOTILE CILIA SYNDROME; POLYNESIAN BRONCHIECTASIS; Dextrocardia bronchiectasis and sinusitis; SIEWERT SYNDROME. Identifiers: Orphanet 244, MedGen C4551906, MONDO:0009484, OMIM 244400.
DNAH5-related disorders.

Submissions (2):

Coskunpinar Laboratory, Saglik Bilimleri University, Hamidiye School of Medicine
Classification: Likely pathogenic for Kartagener syndrome. Last evaluated: 2026-02-02. Review status: criteria provided, single submitter. Criteria: ACMG Guidelines, 2015. Collection method: research. Allele origin: germline. Affected: yes. Observed: 1 variant allele, 1 homozygote.
Comment: This variant has been previously reported in patients with primary ciliary dyskinesia (PMID: 31638833) and is predicted to result in loss of function but has not been previously submitted to ClinVar. Framshift variant in an established primary ciliary dyskinesia disease gene (OMIM:244400). Classification is consistent with Qiagen Clinical Insight Interpret assessment which implements ACMG/AMP variant interpretation guidelines.

Blueprint Genetics
Classification: Likely pathogenic for DNAH5-related disorders. Last evaluated: 2023-01-24. Review status: criteria provided, single submitter. Criteria: ACMG Guidelines, 2015. Collection method: clinical testing. Allele origin: germline. Affected: yes. Observed: 1 variant allele.

Literature cited by the submitters: PubMed 31638833 (cited by Coskunpinar Laboratory, Saglik Bilimleri University, Hamidiye School of Medicine).

NM_001369.3(DNAH5):c.1901_1902del (p.Phe634fs)

Gene: DNAH5 (dynein axonemal heavy chain 5; minus strand). Cytogenetic location: 5p15.2.
Variant type: Deletion.
Coding change: c.1901_1902del on transcript NM_001369.3 (MANE Select); coding-DNA positions 1901 to 1902, 2 bases deleted (TC; older notation c.1901_1902delTC).
Protein change: p.Phe634fs; shifts the reading frame from phenylalanine 634.
Molecular consequence: frameshift variant.
Genome position (GRCh38, 1-based): chr5:13,901,402-13,901,403, GA deleted on the plus strand (TC on the coding strand, the reverse complement: DNAH5 is on the minus strand). VCF-style (leftmost placement, unchanged base first): chr5-13901401-GGA-G. GRCh37 (hg19) VCF-style: chr5-13901510-GGA-G.
Other names: p.Phe634Serfs*2; c.1901_1902delTC (NM_001369.3); short protein forms F634fs.
Identifiers: ClinVar variation 4795791 (VCV004795791.3).